The following is an entry in ClinVar:

ClinVar aggregate classification (germline): Uncertain significance (0 of 4 stars; one submission).

Conditions:
SEMA3D-related disorder. Also called: SEMA3D-related condition.

gnomAD v4.1: 3 of 1,608,934 alleles (0.00019%); highest among the groups gnomAD compares: African/African-American, 0.004%; no homozygotes.

Submission:

PreventionGenetics, part of Exact Sciences
Classification: Uncertain significance for SEMA3D-related condition. Last evaluated: 2024-09-06. Review status: no assertion criteria provided. Collection method: clinical testing. Allele origin: germline.
Comment: The SEMA3D c.239G>A variant is predicted to result in the amino acid substitution p.Gly80Asp. To our knowledge, this variant has not been reported in the literature. This variant is reported in 0.0062% of alleles in individuals of African descent in gnomAD. At this time, the clinical significance of this variant is uncertain due to the absence of conclusive functional and genetic evidence.

NM_001384900.1(SEMA3D):c.239G>A (p.Gly80Asp)

Gene: SEMA3D (semaphorin 3D; minus strand). Cytogenetic location: 7q21.11.
Variant type: single nucleotide variant.
Coding change: c.239G>A on transcript NM_001384900.1 (MANE Select); coding-DNA position 239, G replaced by A.
Protein change: p.Gly80Asp; replaces glycine 80 with aspartic acid.
Molecular consequence: missense variant.
Genome position (GRCh38, 1-based): chr7:85,097,878, C>T on the plus strand (G>A on the coding strand, the complement: SEMA3D is on the minus strand). VCF-style: chr7-85097878-C-T. GRCh37 (hg19) VCF-style: chr7-84727194-C-T.
Other names: c.239G>A, p.Gly80Asp (NM_001384901.1, NM_001384902.1, NM_001384903.1 and 1 more transcripts); short protein forms G80D.
Identifiers: ClinVar variation 3349303 (VCV003349303.1).